The following is an entry in ClinVar:

NM_080911.3(UNG):c.843G>T (p.Leu281Phe)

Gene: UNG (uracil DNA glycosylase; plus strand). Cytogenetic location: 12q24.11.
Variant type: single nucleotide variant.
Coding change: c.843G>T on transcript NM_080911.3 (MANE Select); coding-DNA position 843, G replaced by T.
Protein change: p.Leu281Phe; replaces leucine 281 with phenylalanine.
Molecular consequence: missense variant.
Genome position (GRCh38, 1-based): chr12:109,109,870, G>T. VCF-style: chr12-109109870-G-T. GRCh37 (hg19) VCF-style: chr12-109547675-G-T.
Other names: c.816G>T, p.Leu272Phe (NM_003362.4); short protein forms L281F, L272F.
Identifiers: ClinVar variation 463872 (VCV000463872.35), dbSNP rs576935575, ClinGen allele CA6772812.
Genomic context (GRCh38, chr12:109,109,870, plus strand): 5'-TATTCTTGATCTTTTTCAGAAGCGGCACCATGTACTACAGACGGCTCATCCCTCCCCTTT[G>T]TCAGTGTATAGAGGGTTCTTTGGATGTAGACACTTTTCAAAGACCAATGAGCTGCTGCAG-3'
Protein context (NP_550433.1, residues 271-291): HVLQTAHPSP[Leu281Phe]SVYRGFFGCR

ClinVar aggregate classification (germline): Likely benign. Review status: criteria provided, multiple submitters, no conflicts (2 of 4 stars). 3 submissions from 3 submitters: Likely benign (3). Last evaluated 2026-01-20.

Conditions:
Hyper-IgM syndrome type 5 (HIGM5). Also called: Hyper-IgM Immunodeficiency Syndrome, Type 5. Identifiers: Orphanet 101092, MedGen C1720958, MONDO:0011971, OMIM 608106.

Allele frequency attached by ClinVar (database versions not stated): gnomAD 0.00001 and 0.00024; TOPMed 0.00003; gnomAD exomes 0.00044 and 0.00086; 1000 Genomes Project 0.00060; 1000 Genomes Project 30x 0.00078; ExAC 0.00101.
gnomAD v4.1: 680 of 1,613,678 alleles (0.042%); highest among the groups gnomAD compares: South Asian, 0.7%; 7 homozygotes.

Submissions (3):

Labcorp Genetics (formerly Invitae), Labcorp
Classification: Likely benign for Hyper-IgM syndrome type 5. Last evaluated: 2026-01-20. Review status: criteria provided, single submitter. Criteria: Invitae Variant Classification Sherloc (09022015). Collection method: clinical testing. Allele origin: germline.

Blueprint Genetics
Classification: Likely benign. Last evaluated: 2024-11-08. Review status: criteria provided, single submitter. Criteria: ACMG Guidelines, 2015. Collection method: clinical testing. Allele origin: germline.

CeGaT Center for Human Genetics Tuebingen
Classification: Likely benign. Last evaluated: 2023-12-01. Review status: criteria provided, single submitter. Criteria: CeGaT Center For Human Genetics Tuebingen Variant Classification Criteria Version 2. Collection method: clinical testing. Allele origin: germline. Affected: yes. Observed: 1 variant allele.
Comment: UNG: BS2